The following is an entry in ClinVar:

ClinVar aggregate classification (germline): Likely benign (0 of 4 stars; one submission).

Conditions:
PLXNA2-related disorder. Also called: PLXNA2-related condition.

Allele frequency attached by ClinVar (database versions not stated): gnomAD 0.00003; gnomAD exomes 0.00003; TOPMed 0.00003; ExAC 0.00008; ESP Exome Variant Server 0.00008.
gnomAD v4.1: 42 of 1,613,046 alleles (0.0026%); highest among the groups gnomAD compares: South Asian, 0.013%; no homozygotes.

Submission:

PreventionGenetics, part of Exact Sciences
Classification: Likely benign for PLXNA2-related condition. Last evaluated: 2022-02-28. Review status: no assertion criteria provided. Collection method: clinical testing. Allele origin: germline.
Comment: This variant is classified as likely benign based on ACMG/AMP sequence variant interpretation guidelines (Richards et al. 2015 PMID: 25741868, with internal and published modifications).

NM_025179.4(PLXNA2):c.879C>T (p.Tyr293=)

Gene: PLXNA2 (plexin A2; minus strand). Cytogenetic location: 1q32.2.
Variant type: single nucleotide variant.
Coding change: c.879C>T on transcript NM_025179.4 (MANE Select); coding-DNA position 879, C replaced by T.
Protein change: p.Tyr293=; no amino-acid change (tyrosine 293 retained).
Molecular consequence: synonymous variant.
Genome position (GRCh38, 1-based): chr1:208,217,044, G>A on the plus strand (C>T on the coding strand, the complement: PLXNA2 is on the minus strand). VCF-style: chr1-208217044-G-A. GRCh37 (hg19) VCF-style: chr1-208390389-G-A.
Identifiers: ClinVar variation 3037012 (VCV003037012.2), dbSNP rs376703082, ClinGen allele CA1374013.